The following is an entry in ClinVar:

NM_001007553.3(CSDE1):c.225G>A (p.Ser75=)

Gene: CSDE1 (cold shock domain containing E1; minus strand). Cytogenetic location: 1p13.2.
Variant type: single nucleotide variant.
Coding change: c.225G>A on transcript NM_001007553.3 (MANE Select); coding-DNA position 225, G replaced by A.
Protein change: p.Ser75=; no amino-acid change (serine 75 retained).
Molecular consequence: synonymous variant.
Genome position (GRCh38, 1-based): chr1:114,738,047, C>T on the plus strand (G>A on the coding strand, the complement: CSDE1 is on the minus strand). VCF-style: chr1-114738047-C-T. GRCh37 (hg19) VCF-style: chr1-115280668-C-T.
Other names: c.363G>A, p.Ser121= (NM_001130523.3, NM_001242891.2); c.225G>A, p.Ser75= (NM_001242892.2, NM_001242893.2, NM_007158.6).
Identifiers: ClinVar variation 788636 (VCV000788636.6), dbSNP rs144707101, ClinGen allele CA1021361.

ClinVar aggregate classification (germline): Benign. Review status: criteria provided, multiple submitters, no conflicts (2 of 4 stars). 3 submissions from 3 submitters: Benign (2). 1 of the submissions does not count toward it. Last evaluated 2018-06-06.

Conditions:
CSDE1-related disorder. Also called: CSDE1-related condition.

Allele frequency attached by ClinVar (database versions not stated): ExAC 0.00093; 1000 Genomes Project 0.00280; ESP Exome Variant Server 0.00284; TOPMed 0.00317; 1000 Genomes Project 30x 0.00344.
gnomAD v4.1: 882 of 1,613,626 alleles (0.055%); highest among the groups gnomAD compares: African/African-American, 1.1%; 6 homozygotes.

Submissions (3):

Labcorp Genetics (formerly Invitae), Labcorp
Classification: Benign. Last evaluated: 2018-06-06. Review status: criteria provided, single submitter. Criteria: Invitae Variant Classification Sherloc (09022015). Collection method: clinical testing. Allele origin: germline.

Breakthrough Genomics
Classification: Benign. Review status: criteria provided, single submitter. Criteria: ACMG Guidelines, 2015. Collection method: not provided. Allele origin: germline. Inheritance: Unknown mechanism. Affected: yes.

PreventionGenetics, part of Exact Sciences
Classification: Benign for CSDE1-related condition. Last evaluated: 2020-12-24. Review status: no assertion criteria provided. Collection method: clinical testing. Allele origin: germline. Not counted in ClinVar's aggregate classification.
Comment: This variant is classified as benign based on ACMG/AMP sequence variant interpretation guidelines (Richards et al. 2015 PMID: 25741868, with internal and published modifications).